The following is an entry in ClinVar:

ClinVar aggregate classification (germline): Uncertain significance (1 of 4 stars; one submission).

Conditions:
Neuroblastoma, susceptibility to, 3. Also called: ALK-Related Neuroblastic Tumor Susceptibility. Identifiers: Orphanet 635, MedGen C2751681, MONDO:0013083, OMIM 613014.

Allele frequency attached by ClinVar (database versions not stated): gnomAD exomes below 0.00001.
gnomAD v4.1: 7 of 1,614,180 alleles (0.00043%); highest among the groups gnomAD compares: Non-Finnish European, 0.00059%; no homozygotes.

Submission:

Labcorp Genetics (formerly Invitae), Labcorp
Classification: Uncertain significance for Neuroblastoma, susceptibility to, 3. Last evaluated: 2023-12-18. Review status: criteria provided, single submitter. Criteria: Invitae Variant Classification Sherloc (09022015). Collection method: clinical testing. Allele origin: germline.
Comment: This sequence change replaces glycine, which is neutral and non-polar, with alanine, which is neutral and non-polar, at codon 1602 of the ALK protein (p.Gly1602Ala). This variant is not present in population databases (gnomAD no frequency). This variant has not been reported in the literature in individuals affected with ALK-related conditions. Algorithms developed to predict the effect of missense changes on protein structure and function output the following: SIFT: "Not Available"; PolyPhen-2: "Benign"; Align-GVGD: "Not Available". The alanine amino acid residue is found in multiple mammalian species, which suggests that this missense change does not adversely affect protein function. In summary, the available evidence is currently insufficient to determine the role of this variant in disease. Therefore, it has been classified as a Variant of Uncertain Significance.

NM_004304.5(ALK):c.4805G>C (p.Gly1602Ala)

Gene: ALK (ALK receptor tyrosine kinase; minus strand). Cytogenetic location: 2p23.2.
Variant type: single nucleotide variant.
Coding change: c.4805G>C on transcript NM_004304.5 (MANE Select); coding-DNA position 4805, G replaced by C.
Protein change: p.Gly1602Ala; replaces glycine 1602 with alanine.
Molecular consequence: missense variant.
Genome position (GRCh38, 1-based): chr2:29,193,282, C>G on the plus strand (G>C on the coding strand, the complement: ALK is on the minus strand). VCF-style: chr2-29193282-C-G. GRCh37 (hg19) VCF-style: chr2-29416148-C-G.
Other names: c.1601G>C, p.Gly534Ala (NM_001353765.2); short protein forms G1602A, G534A.
Identifiers: ClinVar variation 2703877 (VCV002703877.3), dbSNP rs2148137051, ClinGen allele CA346460178.